The following is an entry in ClinVar:

NM_002386.4(MC1R):c.694C>T (p.His232Tyr)

Gene: MC1R (melanocortin 1 receptor; plus strand). Cytogenetic location: 16q24.3.
Variant type: single nucleotide variant.
Coding change: c.694C>T on transcript NM_002386.4 (MANE Select); coding-DNA position 694, C replaced by T.
Protein change: p.His232Tyr; replaces histidine 232 with tyrosine.
Molecular consequence: missense variant.
Genome position (GRCh38, 1-based): chr16:89,919,952, C>T. VCF-style: chr16-89919952-C-T. GRCh37 (hg19) VCF-style: chr16-89986360-C-T.
Other names: short protein forms H232Y.
Identifiers: ClinVar variation 4104854 (VCV004104854.1).

ClinVar aggregate classification (germline): Uncertain significance (1 of 4 stars; one submission).

Submission:

Ambry Genetics
Classification: Uncertain significance. Last evaluated: 2025-07-18. Review status: criteria provided, single submitter. Criteria: Ambry Variant Classification Scheme 2023. Collection method: clinical testing. Allele origin: germline.
Comment: The p.H232Y variant (also known as c.694C>T), located in coding exon 1 of the MC1R gene, results from a C to T substitution at nucleotide position 694. The histidine at codon 232 is replaced by tyrosine, an amino acid with similar properties. This amino acid position is conserved. In addition, this alteration is predicted to be tolerated by in silico analysis. Based on the available evidence, the clinical significance of this variant remains unclear.